The following is an entry in ClinVar:

ClinVar aggregate classification (germline): Uncertain significance (1 of 4 stars; one submission).

gnomAD v4.1: 6 of 1,590,812 alleles (0.00038%); highest among the groups gnomAD compares: Non-Finnish European, 0.00051%; no homozygotes.

Submission:

Labcorp Genetics (formerly Invitae), Labcorp
Classification: Uncertain significance. Last evaluated: 2025-07-31. Review status: criteria provided, single submitter. Criteria: Invitae Variant Classification Sherloc (09022015). Collection method: clinical testing. Allele origin: germline.
Comment: This sequence change replaces glutamine, which is neutral and polar, with histidine, which is basic and polar, at codon 411 of the COL9A2 protein (p.Gln411His). The frequency data for this variant in the population databases is considered unreliable, as metrics indicate poor data quality at this position in the gnomAD database. This variant has not been reported in the literature in individuals affected with COL9A2-related conditions. Invitae Evidence Modeling of protein sequence and biophysical properties (such as structural, functional, and spatial information, amino acid conservation, physicochemical variation, residue mobility, and thermodynamic stability) indicates that this missense variant is not expected to disrupt COL9A2 protein function with a negative predictive value of 95%. In summary, the available evidence is currently insufficient to determine the role of this variant in disease. Therefore, it has been classified as a Variant of Uncertain Significance.

NM_001852.4(COL9A2):c.1233G>T (p.Gln411His)

Gene: COL9A2 (collagen type IX alpha 2 chain; minus strand). Cytogenetic location: 1p34.2.
Variant type: single nucleotide variant.
Coding change: c.1233G>T on transcript NM_001852.4 (MANE Select); coding-DNA position 1233, G replaced by T.
Protein change: p.Gln411His; replaces glutamine 411 with histidine.
Molecular consequence: missense variant.
Genome position (GRCh38, 1-based): chr1:40,304,374, C>A on the plus strand (G>T on the coding strand, the complement: COL9A2 is on the minus strand). VCF-style: chr1-40304374-C-A. GRCh37 (hg19) VCF-style: chr1-40770046-C-A.
Other names: short protein forms Q411H.
Identifiers: ClinVar variation 4692655 (VCV004692655.1).